The following is an entry in ClinVar:

ClinVar aggregate classification (germline): Uncertain significance (1 of 4 stars; one submission).

Conditions:
Muscular dystrophy-dystroglycanopathy (congenital with brain and eye anomalies), type A9. Also called: WALKER-WARBURG SYNDROME OR MUSCLE-EYE BRAIN DISEASE, DAG1-RELATED; Muscular dystrophy-dystroglycanopathy (congenital with brain and eye anomalies), type a, 9. Identifiers: Orphanet 370997, Orphanet 899, MedGen C4225291, MONDO:0014683, OMIM 616538.
Autosomal recessive limb-girdle muscular dystrophy type 2P. Also called: Limb-Girdle Muscular Dystrophy Type 9C; MUSCULAR DYSTROPHY, LIMB-GIRDLE, TYPE 2P; MUSCULAR DYSTROPHY-DYSTROGLYCANOPATHY, LIMB-GIRDLE, DAG1-RELATED. Identifiers: Orphanet 280333, MedGen C4511963, MONDO:0013440, OMIM 613818.

Allele frequency attached by ClinVar (database versions not stated): gnomAD exomes below 0.00001.

Submission:

Labcorp Genetics (formerly Invitae), Labcorp
Classification: Uncertain significance for Autosomal recessive limb-girdle muscular dystrophy type 2P; Muscular dystrophy-dystroglycanopathy (congenital with brain and eye anomalies), type A9. Last evaluated: 2018-12-06. Review status: criteria provided, single submitter. Criteria: Invitae Variant Classification Sherloc (09022015). Collection method: clinical testing. Allele origin: germline.
Comment: This sequence change replaces glycine with aspartic acid at codon 781 of the DAG1 protein (p.Gly781Asp). The glycine residue is highly conserved and there is a moderate physicochemical difference between glycine and aspartic acid. This variant is not present in population databases (ExAC no frequency). This variant has not been reported in the literature in individuals with DAG1-related conditions. Algorithms developed to predict the effect of missense changes on protein structure and function are either unavailable or do not agree on the potential impact of this missense change (SIFT: "Deleterious"; PolyPhen-2: "Probably Damaging"; Align-GVGD: "Class C15"). In summary, the available evidence is currently insufficient to determine the role of this variant in disease. Therefore, it has been classified as a Variant of Uncertain Significance.

NM_004393.6(DAG1):c.2342G>A (p.Gly781Asp)

Gene: DAG1 (dystroglycan 1; plus strand). Cytogenetic location: 3p21.31.
Variant type: single nucleotide variant.
Coding change: c.2342G>A on transcript NM_004393.6 (MANE Select); coding-DNA position 2342, G replaced by A.
Protein change: p.Gly781Asp; replaces glycine 781 with aspartic acid.
Molecular consequence: missense variant.
Genome position (GRCh38, 1-based): chr3:49,532,853, G>A. VCF-style: chr3-49532853-G-A. GRCh37 (hg19) VCF-style: chr3-49570286-G-A.
Other names: c.2342G>A, p.Gly781Asp (NM_001165928.4, NM_001177634.3, NM_001177635.3 and 9 more transcripts); short protein forms G781D.
Identifiers: ClinVar variation 651687 (VCV000651687.7), dbSNP rs1223724355, ClinGen allele CA352797572.